The following is an entry in ClinVar:

NM_012448.4(STAT5B):c.375T>C (p.Asn125=)

Gene: STAT5B (signal transducer and activator of transcription 5B; minus strand). Cytogenetic location: 17q21.2.
Variant type: single nucleotide variant.
Coding change: c.375T>C on transcript NM_012448.4 (MANE Select); coding-DNA position 375, T replaced by C.
Protein change: p.Asn125=; no amino-acid change (asparagine 125 retained).
Molecular consequence: synonymous variant.
Genome position (GRCh38, 1-based): chr17:42,224,779, A>G on the plus strand (T>C on the coding strand, the complement: STAT5B is on the minus strand). VCF-style: chr17-42224779-A-G. GRCh37 (hg19) VCF-style: chr17-40376797-A-G.
Identifiers: ClinVar variation 1520466 (VCV001520466.8), dbSNP rs555285694, ClinGen allele CA8574315.

ClinVar aggregate classification (germline): Uncertain significance (1 of 4 stars; one submission).

Conditions:
Growth hormone insensitivity with immune dysregulation 1, autosomal recessive. Also called: GROWTH HORMONE INSENSITIVITY DUE TO POSTRECEPTOR DEFECT; LARON SYNDROME DUE TO POSTRECEPTOR DEFECT; Laron syndrome with immunodeficiency; GROWTH HORMONE INSENSITIVITY SYNDROME WITH IMMUNE DYSREGULATION 1, AUTOSOMAL RECESSIVE. Identifiers: Orphanet 220465, MedGen C5435698, MONDO:0100211, OMIM 245590.

Allele frequency attached by ClinVar (database versions not stated): gnomAD exomes below 0.00001; ExAC 0.00001; 1000 Genomes Project 30x 0.00016; 1000 Genomes Project 0.00020.

Submission:

Labcorp Genetics (formerly Invitae), Labcorp
Classification: Uncertain significance for Growth hormone insensitivity with immune dysregulation 1, autosomal recessive. Last evaluated: 2021-02-26. Review status: criteria provided, single submitter. Criteria: Invitae Variant Classification Sherloc (09022015). Collection method: clinical testing. Allele origin: germline.
Comment: This sequence change affects codon 125 of the STAT5B mRNA. It is a 'silent' change, meaning that it does not change the encoded amino acid sequence of the STAT5B protein. It affects a nucleotide within the consensus splice site of the intron. This variant is present in population databases (rs555285694, ExAC 0.009%). This variant has not been reported in the literature in individuals with STAT5B-related conditions. Algorithms developed to predict the effect of sequence changes on RNA splicing suggest that this variant is not likely to affect RNA splicing, but this prediction has not been confirmed by published transcriptional studies. In summary, the available evidence is currently insufficient to determine the role of this variant in disease. Therefore, it has been classified as a Variant of Uncertain Significance.